The following is an entry in ClinVar:

ClinVar aggregate classification (germline): Uncertain significance (3 of 4 stars; one submission).

Conditions:
Phenylketonuria (PKU). Also called: Phenylketonurias; FOLLING DISEASE; Phenylketonuria (PKU); OLIGOPHRENIA PHENYLPYRUVICA. Identifiers: Orphanet 716, MedGen C0031485, MONDO:0009861, OMIM 261600. Disease mechanism: loss of function.

Submission:

ClinGen PAH Variant Curation Expert Panel
Classification: Uncertain significance for Phenylketonuria. Last evaluated: 2021-01-15. Review status: reviewed by expert panel. Criteria: ClinGen PAH ACMG Specifications v1. Collection method: curation. Allele origin: germline. Inheritance: Autosomal recessive inheritance.
Comment: This c.667A>T (p.Asn223Tyr) variant in PAH was reported with pathogenic variant c.165delT in a patient with PAH deficiency (242 μmol/L Phe) (PMID 18346471). Computational evidence for this missense variant is predicted to be damaging (SIFT), probably damaging (PolyPhen2), and disease causing (MutationTaster). This variant is absent from population databases ExAC, gnomAD, 1000 Genomes, and ESP. In summary, this variant meets criteria to be classified as a variant of uncertain significance for PAH. PAH-specific ACMG/AMP criteria applied: PM2, PP3, PP4, PM3_supporting.

Literature cited by the submitters: PubMed 18346471; PubMed 17096675.

NM_000277.3(PAH):c.667A>T (p.Asn223Tyr)

Gene: PAH (phenylalanine hydroxylase; minus strand). Cytogenetic location: 12q23.2.
Variant type: single nucleotide variant.
Coding change: c.667A>T on transcript NM_000277.3 (MANE Select); coding-DNA position 667, A replaced by T.
Protein change: p.Asn223Tyr; replaces asparagine 223 with tyrosine.
Molecular consequence: missense variant.
Genome position (GRCh38, 1-based): chr12:102,855,175, T>A on the plus strand (A>T on the coding strand, the complement: PAH is on the minus strand). VCF-style: chr12-102855175-T-A. GRCh37 (hg19) VCF-style: chr12-103248953-T-A.
Other names: NM_000277.1:c.667A>T; c.667A>T, p.Asn223Tyr (NM_001354304.2); short protein forms N223Y.
Identifiers: ClinVar variation 1693233 (VCV001693233.1), dbSNP rs2136649290, ClinGen allele CA16020834.